The following is an entry in ClinVar:

NC_000021.9:g.(?_34787801)_(34799462_?)del

Gene: RUNX1 (RUNX family transcription factor 1; minus strand). Cytogenetic location: 21q22.12.
Variant type: Deletion.
Identifiers: ClinVar variation 417477 (VCV000417477.2).

ClinVar aggregate classification (germline): Likely pathogenic. Review status: reviewed by expert panel (3 of 4 stars). 2 submissions from 2 submitters: Likely pathogenic (1). 1 of the submissions does not count toward it. Last evaluated 2019-08-07.

Conditions:
Hereditary thrombocytopenia and hematological cancer predisposition syndrome associated with RUNX1. Also called: Familial Platelet Disorder with Propensity to Acute Myelogenous Leukemia; Familial thrombocytopenia with propensity to acute myelogenous leukemia; PLATELET DISORDER, ASPIRIN-LIKE; RUNX1 Familial Platelet Disorder with Associated Myeloid Malignancies. Identifiers: Orphanet 71290, MedGen C1832388, MeSH C563324, MONDO:0100083, OMIM 601399.

Submissions (2):

ClinGen Myeloid Malignancy Variant Curation Expert Panel
Classification: Likely pathogenic for Familial platelet disorder with associated myeloid malignancy. Last evaluated: 2019-08-07. Review status: reviewed by expert panel. Criteria: ClinGen MyeloMalig ACMG Specifications v1. Collection method: curation. Allele origin: germline. Inheritance: Autosomal dominant inheritance.
Comment: This deletion of exons 8+9 of RUNX1 affects critical protein domains (TAD, VWRPY-motif). Despite the unknown impact on the reading frame and no NMD-prediction, PVS1_Strong can be applied based on the impact on critical protein domains. In addition, the variant is absent from population databases (PM2) and 2 probands have been reported and met FPD/AML phenotype criteria (SCV000563938.2 and internal laboratories) (PS4_Moderate). In summary, this variant meets criteria to be classified as likely pathogenic. ACMG/AMP criteria applied, as specified by the ClinGen Myeloid Malignancy Variant Curation Expert Panel for RUNX1: PVS1_Strong, PM2, PS4_Moderate.

Labcorp Genetics (formerly Invitae), Labcorp
Classification: Pathogenic for Hereditary thrombocytopenia and hematological cancer predisposition syndrome associated with RUNX1. Last evaluated: 2016-11-21. Review status: criteria provided, single submitter. Criteria: Invitae Variant Classification Sherloc (09022015). Collection method: clinical testing. Allele origin: germline. Not counted in ClinVar's aggregate classification.
Comment: This variant is a gross deletion of the genomic region encompassing exons 8-9 of the RUNX1 gene. The 5' boundary is likely confined to intron 7. The 3' end of this event is unknown as it extends through the termination codon beyond the assayed region for this gene and may encompass additional genes. While this deletion is not anticipated to result in nonsense mediated decay, it is expected to create a truncated protein product or disrupt mRNA translation. While a similar gross deletion has not been reported in the literature, loss-of-function variants in RUNX1 are known to be pathogenic (PMID: 18723428, 24100448). This variant is expected to result in the deletion of 212 amino acids of the RUNX1 protein (Asp269-Tyr480). While this is not anticipated to result in nonsense mediated decay, it is expected to result in the loss of the transcriptional activation domain (amino acid residues 318-398), DNA-binding inhibitory domain (residues 398-438), and VWRPY domain (residues 476-480) of the RUNX1 protein (PMID: 22689681, 23753029). Loss of these three domains from the mouse Runx1 protein has been shown to result in defects in thymocyte development (PMID: 15749889, 14504086). For these reasons, this variant has been classified as Pathogenic.